The following is an entry in ClinVar:

ClinVar aggregate classification (germline): Pathogenic/Likely pathogenic. Review status: criteria provided, multiple submitters, no conflicts (2 of 4 stars). 3 submissions from 3 submitters: Pathogenic (2); Likely pathogenic (1). Last evaluated 2024-05-31.

Conditions:
Meckel-Gruber syndrome. Also called: DYSENCEPHALIA SPLANCHNOCYSTICA; GRUBER SYNDROME; Dysencephalia splachnocystica. Identifiers: Orphanet 564, MedGen C0265215, MONDO:0018921.
Joubert syndrome. Also called: CEREBELLOPARENCHYMAL DISORDER IV; JOUBERT-BOLTSHAUSER SYNDROME; Familial aplasia of the vermis. Identifiers: Orphanet 475, MedGen C5979921, MONDO:0018772.
Meckel syndrome, type 8. Identifiers: Orphanet 564, MedGen C3836857, MONDO:0013482, OMIM 613885.
Joubert syndrome 24 (JBTS24). Identifiers: Orphanet 475, MedGen C4084841, MONDO:0014724, OMIM 616654.

Submissions (3):

Fulgent Genetics
Classification: Likely pathogenic for Meckel syndrome, type 8; Joubert syndrome 24. Last evaluated: 2024-05-31. Review status: criteria provided, single submitter. Criteria: ACMG Guidelines, 2015. Collection method: clinical testing. Allele origin: germline.

GeneDx
Classification: Pathogenic. Last evaluated: 2024-02-08. Review status: criteria provided, single submitter. Criteria: GeneDx Variant Classification Process June 2021. Collection method: clinical testing. Allele origin: germline. Affected: yes.
Comment: Frameshift variant predicted to result in protein truncation or nonsense mediated decay in a gene for which loss-of-function is a known mechanism of disease; Not observed at significant frequency in large population cohorts (gnomAD); Has not been previously published as pathogenic or benign to our knowledge

Labcorp Genetics (formerly Invitae), Labcorp
Classification: Pathogenic for Joubert syndrome; Meckel-Gruber syndrome. Last evaluated: 2023-12-16. Review status: criteria provided, single submitter. Criteria: Invitae Variant Classification Sherloc (09022015). Collection method: clinical testing. Allele origin: germline.
Comment: This sequence change creates a premature translational stop signal (p.Leu175Phefs*7) in the TCTN2 gene. It is expected to result in an absent or disrupted protein product. Loss-of-function variants in TCTN2 are known to be pathogenic (PMID: 21565611). This variant is present in population databases (rs760034947, gnomAD 0.0009%). This variant has not been reported in the literature in individuals affected with TCTN2-related conditions. ClinVar contains an entry for this variant (Variation ID: 461766). For these reasons, this variant has been classified as Pathogenic.

Literature cited by the submitters: PubMed 21565611 (cited by Labcorp Genetics (formerly Invitae), Labcorp).

NM_024809.5(TCTN2):c.524dup (p.Leu175fs)

Gene: TCTN2 (tectonic family member 2; plus strand). Cytogenetic location: 12q24.31.
Variant type: Duplication.
Coding change: c.524dup on transcript NM_024809.5 (MANE Select); coding-DNA position 524, one base duplicated (T; older notation c.524dupT).
Protein change: p.Leu175fs; shifts the reading frame from leucine 175.
Molecular consequence: frameshift variant.
Genome position (GRCh38, 1-based): chr12:123,679,249, T duplicated; the last of 3 consecutive T bases (chr12:123,679,247-123,679,249); duplicating any one gives the same sequence. VCF-style (leftmost placement, unchanged base first): chr12-123679246-A-AT. GRCh37 (hg19) VCF-style: chr12-124163793-A-AT.
Other names: c.524dupT (NM_024809.4); c.524dup (NM_024809.4); c.521dup, p.Leu174fs (NM_001143850.3); short protein forms L174fs, L175fs.
Identifiers: ClinVar variation 461766 (VCV000461766.9), dbSNP rs760034947, ClinGen allele CA6860911.